The following is an entry in ClinVar:

ClinVar aggregate classification (germline): Uncertain significance (1 of 4 stars; one submission).

Allele frequency attached by ClinVar (database versions not stated): ExAC 0.00001; gnomAD 0.00001; gnomAD exomes 0.00002; TOPMed 0.00002; ESP Exome Variant Server 0.00008.
gnomAD v4.1: 31 of 1,609,324 alleles (0.0019%); highest among the groups gnomAD compares: Non-Finnish European, 0.0025%; no homozygotes.

Submission:

Labcorp Genetics (formerly Invitae), Labcorp
Classification: Uncertain significance. Last evaluated: 2025-09-15. Review status: criteria provided, single submitter. Criteria: Invitae Variant Classification Sherloc (09022015). Collection method: clinical testing. Allele origin: germline.
Comment: This sequence change replaces lysine, which is basic and polar, with glutamic acid, which is acidic and polar, at codon 612 of the IL6ST protein (p.Lys612Glu). This variant is present in population databases (rs147049759, gnomAD 0.002%). This variant has not been reported in the literature in individuals affected with IL6ST-related conditions. ClinVar contains an entry for this variant (Variation ID: 1901897). An algorithm developed to predict the effect of missense changes on protein structure and function (PolyPhen-2) suggests that this variant is likely to be tolerated. In summary, the available evidence is currently insufficient to determine the role of this variant in disease. Therefore, it has been classified as a Variant of Uncertain Significance.

NM_002184.4(IL6ST):c.1834A>G (p.Lys612Glu)

Gene: IL6ST (interleukin 6 cytokine family signal transducer; minus strand). Cytogenetic location: 5q11.2.
Variant type: single nucleotide variant.
Coding change: c.1834A>G on transcript NM_002184.4 (MANE Select); coding-DNA position 1834, A replaced by G.
Protein change: p.Lys612Glu; replaces lysine 612 with glutamic acid.
Molecular consequence: missense variant. On other transcripts: 3 prime UTR variant (1), non-coding transcript variant (2).
Genome position (GRCh38, 1-based): chr5:55,951,470, T>C on the plus strand (A>G on the coding strand, the complement: IL6ST is on the minus strand). VCF-style: chr5-55951470-T-C. GRCh37 (hg19) VCF-style: chr5-55247298-T-C.
Other names: c.1651A>G, p.Lys551Glu (NM_001190981.2); c.1732A>G, p.Lys578Glu (NM_001364275.2); c.1624A>G, p.Lys542Glu (NM_001364276.2); c.967A>G, p.Lys323Glu (NM_001364277.2); c.931A>G, p.Lys311Glu (NM_001364278.2); c.838A>G, p.Lys280Glu (NM_001364279.2); c.*761A>G (NM_175767.3); short protein forms K311E, K578E, K612E, K280E, K551E, K323E, K542E.
Identifiers: ClinVar variation 1901897 (VCV001901897.5), dbSNP rs147049759, ClinGen allele CA3271321.